The following is an entry in ClinVar:

NM_001271.4(CHD2):c.1503-19T>C

Gene: CHD2 (chromodomain helicase DNA binding protein 2; plus strand). Cytogenetic location: 15q26.1.
Variant type: single nucleotide variant.
Coding change: c.1503-19T>C on transcript NM_001271.4 (MANE Select); 19 bases into the intron before coding-DNA position 1503, T replaced by C.
Molecular consequence: intron variant.
Genome position (GRCh38, 1-based): chr15:92,953,338, T>C. VCF-style: chr15-92953338-T-C. GRCh37 (hg19) VCF-style: chr15-93496568-T-C.
Identifiers: ClinVar variation 512751 (VCV000512751.9), dbSNP rs1390489313, ClinGen allele CA492498957.
Genomic context (GRCh38, chr15:92,953,338, plus strand): 5'-TGTCGTTGCTGTTTATGCACATTCTGTGTTTTGGTGAACTAATGATTTTTTTGTTTTTAT[T>C]TATTTTTTCTTTCTGCAGAAATAATAGTGTAATCCTTGCTGATGAAATGGGCCTAGGAAA-3'

ClinVar aggregate classification (germline): Likely benign. Review status: criteria provided, multiple submitters, no conflicts (2 of 4 stars). 2 submissions from 2 submitters: Likely benign (2). Last evaluated 2025-12-13.

Conditions:
Developmental and epileptic encephalopathy 94 (DEE94). Also called: CHD2-Related Neurodevelopmental Disorders; Epileptic encephalopathy, childhood-onset. Identifiers: Orphanet 1942, Orphanet 2382, MedGen C3809278, MONDO:0014150, OMIM 615369.

Allele frequency attached by ClinVar (database versions not stated): gnomAD exomes below 0.00001; TOPMed below 0.00001.
gnomAD v4.1: 4 of 1,606,244 alleles (0.00025%); highest among the groups gnomAD compares: African/African-American, 0.0054%; no homozygotes.

Submissions (2):

Labcorp Genetics (formerly Invitae), Labcorp
Classification: Likely benign for Developmental and epileptic encephalopathy 94. Last evaluated: 2025-12-13. Review status: criteria provided, single submitter. Criteria: Invitae Variant Classification Sherloc (09022015). Collection method: clinical testing. Allele origin: germline.

GeneDx
Classification: Likely benign. Last evaluated: 2017-10-24. Review status: criteria provided, single submitter. Criteria: GeneDx Variant Classification (06012015). Collection method: clinical testing. Allele origin: germline. Affected: yes.
Comment: This variant is considered likely benign or benign based on one or more of the following criteria: it is a conservative change, it occurs at a poorly conserved position in the protein, it is predicted to be benign by multiple in silico algorithms, and/or has population frequency not consistent with disease.